The following is an entry in ClinVar:

NM_174878.3(CLRN1):c.154C>T (p.Gln52Ter)

Gene: CLRN1 (clarin 1; minus strand). Cytogenetic location: 3q25.1.
Variant type: single nucleotide variant.
Coding change: c.154C>T on transcript NM_174878.3 (MANE Select); coding-DNA position 154, C replaced by T.
Protein change: p.Gln52Ter; replaces glutamine 52 with a stop codon.
Molecular consequence: nonsense. On other transcripts: non-coding transcript variant (1).
Genome position (GRCh38, 1-based): chr3:150,972,555, G>A on the plus strand (C>T on the coding strand, the complement: CLRN1 is on the minus strand). VCF-style: chr3-150972555-G-A. GRCh37 (hg19) VCF-style: chr3-150690342-G-A.
Other names: c.154C>T, p.Gln52Ter (NM_001195794.1, NM_001256819.2); short protein forms Q52*.
Identifiers: ClinVar variation 865795 (VCV000865795.10), dbSNP rs1715594024, ClinGen allele CA355011949.

ClinVar aggregate classification (germline): Pathogenic/Likely pathogenic. Review status: criteria provided, multiple submitters, no conflicts (2 of 4 stars). 4 submissions from 4 submitters: Pathogenic (2); Likely pathogenic (2). Last evaluated 2025-05-12.

Conditions:
CLRN1-related disorder. Also called: CLRN1-related condition.
Neuronal ceroid lipofuscinosis. Also called: Neuronal Ceroid Lipofuscinoses. Identifiers: Orphanet 216, Orphanet 79263, MedGen C0027877, MONDO:0016295. Disease mechanism: loss of function.

Allele frequency attached by ClinVar (database versions not stated): TOPMed below 0.00001.

Submissions (4):

Myriad Genetics, Inc.
Classification: Pathogenic for Neuronal ceroid lipofuscinosis. Last evaluated: 2025-05-12. Review status: criteria provided, single submitter. Criteria: Myriad Autosomal Dominant, Autosomal Recessive and X-Linked Classification Criteria (2023). Collection method: clinical testing. Allele origin: unknown.
Comment: NM_174878.2(CLRN1):c.154C>T(Q52*) is a nonsense variant classified as pathogenic in the context of usher syndrome type 3. Q52* has not been observed in cases with relevant disease. Relevant functional assessments of this variant are not available in the literature. Q52* has not been observed in referenced population frequency databases. In summary, NM_174878.2(CLRN1):c.154C>T(Q52*) is a nonsense variant in a gene where loss of function is a known mechanism of disease and is predicted to disrupt protein function. Please note: this variant was assessed in the context of healthy population screening.

PreventionGenetics, part of Exact Sciences
Classification: Likely pathogenic for CLRN1-related condition. Last evaluated: 2025-01-07. Review status: criteria provided, single submitter. Criteria: ACMG Guidelines, 2015. Collection method: clinical testing. Allele origin: germline.
Comment: The CLRN1 c.154C>T variant is predicted to result in premature protein termination (p.Gln52*). This variant has not been reported in the literature or in a large population database (gnomAD), indicating this variant is rare. This variant occurs within the first exon, however upstream loss-of-function variants have been reported to be causative. Nonsense variants in CLRN1 are expected to be pathogenic. This variant is interpreted as likely pathogenic.

Labcorp Genetics (formerly Invitae), Labcorp
Classification: Pathogenic. Last evaluated: 2021-05-10. Review status: criteria provided, single submitter. Criteria: Invitae Variant Classification Sherloc (09022015). Collection method: clinical testing. Allele origin: germline.
Comment: Algorithms developed to predict the effect of sequence changes on RNA splicing suggest that this variant may create or strengthen a splice site, but this prediction has not been confirmed by published transcriptional studies. This sequence change creates a premature translational stop signal (p.Gln52*) in the CLRN1 gene. It is expected to result in an absent or disrupted protein product. Loss-of-function variants in CLRN1 are known to be pathogenic (PMID: 11524702, 24498627). This variant is not present in population databases (ExAC no frequency). This variant has not been reported in the literature in individuals with CLRN1-related conditions. ClinVar contains an entry for this variant (Variation ID: 865795). For these reasons, this variant has been classified as Pathogenic.

Blueprint Genetics
Classification: Likely pathogenic for CLRN1-related disorders. Last evaluated: 2018-10-24. Review status: criteria provided, single submitter. Criteria: ACMG Guidelines, 2015. Collection method: clinical testing. Allele origin: germline. Affected: yes. Observed: 1 variant allele.

Literature cited by the submitters: PubMed 11524702 (cited by Labcorp Genetics (formerly Invitae), Labcorp); PubMed 24498627 (cited by Labcorp Genetics (formerly Invitae), Labcorp).